The following is an entry in ClinVar:

ClinVar aggregate classification (germline): Conflicting classifications of pathogenicity. Review status: criteria provided, conflicting classifications (1 of 4 stars). 5 submissions from 5 submitters: Uncertain significance (1); Likely benign (4). Last evaluated 2025-03-03.

Conditions:
ADGRV1-related disorder. Also called: ADGRV1-related condition; ADGRV1-related disorders.

Allele frequency attached by ClinVar (database versions not stated): gnomAD exomes below 0.00001 and 0.00002; ExAC 0.00004; gnomAD 0.00007; ESP Exome Variant Server 0.00008; TOPMed 0.00014; 1000 Genomes Project 0.00020; 1000 Genomes Project 30x 0.00031.
gnomAD v4.1: 19 of 1,571,850 alleles (0.0012%); highest among the groups gnomAD compares: Admixed American, 0.022%; no homozygotes.

Submissions (5):

Labcorp Genetics (formerly Invitae), Labcorp
Classification: Likely benign. Last evaluated: 2025-03-03. Review status: criteria provided, single submitter. Criteria: Invitae Variant Classification Sherloc (09022015). Collection method: clinical testing. Allele origin: germline.

Women's Health and Genetics/Laboratory Corporation of America, LabCorp
Classification: Likely benign. Last evaluated: 2025-03-03. Review status: criteria provided, single submitter. Criteria: LabCorp Variant Classification Summary - May 2015. Collection method: clinical testing. Allele origin: germline.
Comment: Variant summary: ADGRV1 c.6684T>A alters a conserved nucleotide resulting in a synonymous change. Consensus agreement among computation tools predict no significant impact on normal splicing. However, these predictions have yet to be confirmed by functional studies. The variant allele was found at a frequency of 2.1e-05 in 190888 control chromosomes. The available data on variant occurrences in the general population are insufficient to allow any conclusion about variant significance. To our knowledge, no occurrence of c.6684T>A in individuals affected with ADGRV1-Related Disorders and no experimental evidence demonstrating its impact on protein function have been reported. ClinVar contains an entry for this variant (Variation ID: 196633). Based on the evidence outlined above, the variant was classified as likely benign.

PreventionGenetics, part of Exact Sciences
Classification: Likely benign for ADGRV1-related condition. Last evaluated: 2024-10-31. Review status: criteria provided, single submitter. Criteria: ACMG Guidelines, 2015. Collection method: clinical testing. Allele origin: germline.
Comment: This variant is classified as likely benign based on ACMG/AMP sequence variant interpretation guidelines (Richards et al. 2015 PMID: 25741868, with internal and published modifications).

ARUP Laboratories, Molecular Genetics and Genomics, ARUP Laboratories
Classification: Likely benign. Last evaluated: 2019-07-28. Review status: criteria provided, single submitter. Criteria: ARUP Molecular Germline Variant Investigation Process. Collection method: clinical testing. Allele origin: germline.

Eurofins Ntd Llc (ga)
Classification: Uncertain significance. Last evaluated: 2015-05-27. Review status: criteria provided, single submitter. Criteria: EGL Classification Definitions 2015. Collection method: clinical testing. Allele origin: germline. Observed: 1 variant allele, 1 heterozygote.

NM_032119.4(ADGRV1):c.6684T>A (p.Ser2228=)

Gene: ADGRV1 (adhesion G protein-coupled receptor V1; plus strand). Cytogenetic location: 5q14.3.
Variant type: single nucleotide variant.
Coding change: c.6684T>A on transcript NM_032119.4 (MANE Select); coding-DNA position 6684, T replaced by A.
Protein change: p.Ser2228=; no amino-acid change (serine 2228 retained).
Molecular consequence: synonymous variant. On other transcripts: non-coding transcript variant (1).
Genome position (GRCh38, 1-based): chr5:90,690,054, T>A. VCF-style: chr5-90690054-T-A. GRCh37 (hg19) VCF-style: chr5-89985871-T-A.
Other names: c.6684T>A (NM_032119.3).
Identifiers: ClinVar variation 196633 (VCV000196633.25), dbSNP rs373667458, ClinGen allele CA243654.